The following is an entry in ClinVar:

NM_001348323.3(TRIP12):c.3664A>G (p.Ile1222Val)

Gene: TRIP12 (thyroid hormone receptor interactor 12; minus strand). Cytogenetic location: 2q36.3.
Variant type: single nucleotide variant.
Coding change: c.3664A>G on transcript NM_001348323.3 (MANE Select); coding-DNA position 3664, A replaced by G.
Protein change: p.Ile1222Val; replaces isoleucine 1222 with valine.
Molecular consequence: missense variant.
Genome position (GRCh38, 1-based): chr2:229,796,743, T>C on the plus strand (A>G on the coding strand, the complement: TRIP12 is on the minus strand). VCF-style: chr2-229796743-T-C. GRCh37 (hg19) VCF-style: chr2-230661459-T-C.
Other names: c.3667A>G, p.Ile1223Val (NM_001348321.1, NM_001348328.1, NM_001348329.2 and 1 more transcripts); c.3664A>G, p.Ile1222Val (NM_001348322.1, NM_001348324.2, NM_001348327.2 and 4 more transcripts); c.3586A>G, p.Ile1196Val (NM_001348333.1); c.3439A>G, p.Ile1147Val (NM_004238.3); c.3457A>G, p.Ile1153Val (NM_001348331.1); c.3577A>G, p.Ile1193Val (NM_001348332.1); c.3583A>G, p.Ile1195Val (NM_001284214.2, NM_001348315.2); c.3538A>G, p.Ile1180Val (NM_001284215.2, NM_001348316.2, NM_001348317.1 and 1 more transcripts); and 1 more; short protein forms I1147V, I1153V, I1180V, I1193V, I1195V, I1196V, I1222V, I1223V.
Identifiers: ClinVar variation 3364417 (VCV003364417.1).
Genomic context (GRCh38, chr2:229,796,743, plus strand): 5'-GCTGCTTCACAAATCCACTATGTTGGATTTCAAATGATGAAACATCTGACTCTGAGACTA[T>C]GCTACGGATTTCTACAAGGCACTCAGCTCCACCATCCACCTGAAAGAGTTAGGAAAAGTA-3'
Protein context (NP_001335252.1, residues 1212-1232): GAECLVEIRS[Ile1222Val]VSESDVSSFE

ClinVar aggregate classification (germline): Uncertain significance (1 of 4 stars; one submission).

gnomAD v4.1: 8 of 1,602,796 alleles (0.0005%); highest among the groups gnomAD compares: South Asian, 0.0023%; no homozygotes.

Submission:

GeneDx
Classification: Uncertain significance. Last evaluated: 2023-11-16. Review status: criteria provided, single submitter. Criteria: GeneDx Variant Classification Process June 2021. Collection method: clinical testing. Allele origin: germline. Affected: yes.
Comment: Not observed at significant frequency in large population cohorts (gnomAD); In silico analysis supports that this missense variant does not alter protein structure/function; Has not been previously published as pathogenic or benign to our knowledge